The following is an entry in ClinVar:

ClinVar aggregate classification (germline): Likely benign. Review status: criteria provided, multiple submitters, no conflicts (2 of 4 stars). 2 submissions from 2 submitters: Likely benign (2). Last evaluated 2019-02-19.

Allele frequency attached by ClinVar (database versions not stated): gnomAD 0.00006 and 0.00013; ESP Exome Variant Server 0.00008; TOPMed 0.00010.

Submissions (2):

GeneDx
Classification: Likely benign. Last evaluated: 2019-02-19. Review status: criteria provided, single submitter. Criteria: GeneDx Variant Classification Process June 2021. Collection method: clinical testing. Allele origin: germline. Affected: yes.

Laboratory for Molecular Medicine, Mass General Brigham Personalized Medicine
Classification: Likely benign. Last evaluated: 2015-07-08. Review status: criteria provided, single submitter. Criteria: LMM Criteria. Collection method: clinical testing. Allele origin: germline. Observed: 1 variant allele.
Comment: Glu254Glu in exon 7 of P2RX2: This variant is not expected to have clinical sign ificance because it does not alter an amino acid residue and is not located with in the splice consensus sequence. It has been identified in 7/65936 European chr omosomes by the Exome Aggregation Consortium (ExAC, rg; dbSNP rs144300117).

NM_170682.4(P2RX2):c.762G>A (p.Glu254=)

Gene: P2RX2 (purinergic receptor P2X 2; plus strand). Cytogenetic location: 12q24.33.
Variant type: single nucleotide variant.
Coding change: c.762G>A on transcript NM_170682.4 (MANE Select); coding-DNA position 762, G replaced by A.
Protein change: p.Glu254=; no amino-acid change (glutamic acid 254 retained).
Molecular consequence: synonymous variant. On other transcripts: missense variant (1).
Genome position (GRCh38, 1-based): chr12:132,620,571, G>A. VCF-style: chr12-132620571-G-A. GRCh37 (hg19) VCF-style: chr12-133197157-G-A.
Other names: c.655G>A, p.Ala219Thr (NM_001282164.2); c.762G>A, p.Glu254= (NM_001282165.2, NM_170683.4, NM_174873.3); c.546G>A, p.Glu182= (NM_012226.5); c.690G>A, p.Glu230= (NM_016318.4); c.486G>A, p.Glu162= (NM_174872.3); short protein forms A219T.
Identifiers: ClinVar variation 227832 (VCV000227832.8), dbSNP rs144300117, ClinGen allele CA6891632.